The following is an entry in ClinVar:

NM_001042492.3(NF1):c.494C>G (p.Thr165Ser)

Gene: NF1 (neurofibromin 1; plus strand). Cytogenetic location: 17q11.2.
Variant type: single nucleotide variant.
Coding change: c.494C>G on transcript NM_001042492.3 (MANE Select); coding-DNA position 494, C replaced by G.
Protein change: p.Thr165Ser; replaces threonine 165 with serine.
Molecular consequence: missense variant.
Genome position (GRCh38, 1-based): chr17:31,169,905, C>G. VCF-style: chr17-31169905-C-G. GRCh37 (hg19) VCF-style: chr17-29496923-C-G.
Other names: c.494C>G, p.Thr165Ser (NM_000267.4, NM_001128147.3); short protein forms T165S.
Identifiers: ClinVar variation 457733 (VCV000457733.13), dbSNP rs876660009, ClinGen allele CA398984775.
Genomic context (GRCh38, chr17:31,169,905, plus strand): 5'-CCCTAATACTTAATTTGATAAGTTAATTTTGGTTTTTACTTTTTAGGTTACAGGAATTAA[C>G]TGTTTGTTCAGAAGACAATGTTGATGTTCATGATATAGAATTGTTACAGTATATCAATGT-3'
Protein context (NP_001035957.1, residues 155-175): SRISTRLQEL[Thr165Ser]VCSEDNVDVH

ClinVar aggregate classification (germline): Conflicting classifications of pathogenicity. Review status: criteria provided, conflicting classifications (1 of 4 stars). 4 submissions from 4 submitters: Uncertain significance (3); Likely benign (1). Last evaluated 2025-05-27.

Conditions:
Neurofibromatosis, type 1 (NF1). Also called: VON RECKLINGHAUSEN DISEASE; NEUROFIBROMATOSIS, TYPE I, SOMATIC; Peripheral type neurofibromatosis; Neurofibromatosis, type I. Identifiers: Orphanet 636, MedGen C0027831, MONDO:0018975, OMIM 162200. Disease mechanism: loss of function.
Cardiovascular phenotype. Identifiers: MedGen CN230736.
Hereditary cancer-predisposing syndrome. Also called: Hereditary Cancer Syndrome; Hereditary neoplastic syndrome; Tumor predisposition; Neoplastic Syndromes, Hereditary. Identifiers: Orphanet 140162, MedGen C0027672, MeSH D009386, MONDO:0015356.

Submissions (4):

Labcorp Genetics (formerly Invitae), Labcorp
Classification: Likely benign for Neurofibromatosis, type 1. Last evaluated: 2025-05-27. Review status: criteria provided, single submitter. Criteria: Invitae Variant Classification Sherloc (09022015). Collection method: clinical testing. Allele origin: germline.

Ambry Genetics
Classification: Uncertain significance for Cardiovascular phenotype; Hereditary cancer-predisposing syndrome. Last evaluated: 2024-08-15. Review status: criteria provided, single submitter. Criteria: Ambry Variant Classification Scheme 2023. Collection method: clinical testing. Allele origin: germline.
Comment: The p.T165S variant (also known as c.494C>G), located in coding exon 5 of the NF1 gene, results from a C to G substitution at nucleotide position 494. The threonine at codon 165 is replaced by serine, an amino acid with similar properties. This amino acid position is highly conserved in available vertebrate species. In addition, the in silico prediction for this alteration is inconclusive. Since supporting evidence is limited at this time, the clinical significance of this alteration remains unclear.

Revvity Omics, Revvity
Classification: Uncertain significance. Last evaluated: 2023-06-12. Review status: criteria provided, single submitter. Criteria: ACMG Guidelines, 2015. Collection method: clinical testing. Allele origin: germline.

Genome-Nilou Lab
Classification: Uncertain significance for Neurofibromatosis, type 1. Last evaluated: 2022-03-15. Review status: criteria provided, single submitter. Criteria: ACMG Guidelines, 2015. Collection method: clinical testing. Allele origin: germline. Affected: no.